The following is an entry in ClinVar:

NM_002226.5(JAG2):c.1603-7C>T

Gene: JAG2 (jagged canonical Notch ligand 2; minus strand). Cytogenetic location: 14q32.33.
Variant type: single nucleotide variant.
Coding change: c.1603-7C>T on transcript NM_002226.5 (MANE Select); 7 bases into the intron before coding-DNA position 1603, C replaced by T.
Molecular consequence: intron variant.
Genome position (GRCh38, 1-based): chr14:105,149,327, G>A on the plus strand (C>T on the coding strand, the complement: JAG2 is on the minus strand). VCF-style: chr14-105149327-G-A. GRCh37 (hg19) VCF-style: chr14-105615664-G-A.
Other names: c.1489-7C>T (NM_145159.3).
Identifiers: ClinVar variation 3040135 (VCV003040135.2), dbSNP rs181385226, ClinGen allele CA7385949.

ClinVar aggregate classification (germline): Likely benign (0 of 4 stars; one submission).

Conditions:
JAG2-related disorder. Also called: JAG2-related condition.

Allele frequency attached by ClinVar (database versions not stated): 1000 Genomes Project 30x 0.00047; 1000 Genomes Project 0.00060; TOPMed 0.00064; ESP Exome Variant Server 0.00077; gnomAD 0.00083.
gnomAD v4.1: 1,483 of 1,612,576 alleles (0.092%); highest among the groups gnomAD compares: Non-Finnish European, 0.1%; 1 homozygote.

Submission:

PreventionGenetics, part of Exact Sciences
Classification: Likely benign for JAG2-related condition. Last evaluated: 2019-10-10. Review status: no assertion criteria provided. Collection method: clinical testing. Allele origin: germline.
Comment: This variant is classified as likely benign based on ACMG/AMP sequence variant interpretation guidelines (Richards et al. 2015 PMID: 25741868, with internal and published modifications).